The following is an entry in ClinVar:

NM_000455.5(STK11):c.1071G>T (p.Glu357Asp)

Genes: STK11 (serine/threonine kinase 11; plus strand), LOC130062899 (ATAC-STARR-seq lymphoblastoid active region 13597; plus strand). Cytogenetic location: 19p13.3.
Variant type: single nucleotide variant.
Coding change: c.1071G>T on transcript NM_000455.5 (MANE Select); coding-DNA position 1071, G replaced by T.
Protein change: p.Glu357Asp; replaces glutamic acid 357 with aspartic acid.
Molecular consequence: missense variant.
Genome position (GRCh38, 1-based): chr19:1,223,135, G>T. VCF-style: chr19-1223135-G-T. GRCh37 (hg19) VCF-style: chr19-1223134-G-T.
Other names: short protein forms E357D.
Identifiers: ClinVar variation 412537 (VCV000412537.36), dbSNP rs556651007, ClinGen allele CA045047.
Genomic context (GRCh38, chr19:1,223,135, plus strand): 5'-GGTGCCGTACTTGGAGGACCTGCACGGCGCGGACGAGGACGAGGACCTCTTCGACATCGA[G>T]GATGACATCATCTACACTCAGGACTTCACGGTGCCCGGTGAGTCTGGCGGGGGCCCCTGC-3'
Protein context (NP_000446.1, residues 347-367): ADEDEDLFDI[Glu357Asp]DDIIYTQDFT

ClinVar aggregate classification (germline): Conflicting classifications of pathogenicity. Review status: criteria provided, conflicting classifications (1 of 4 stars). 12 submissions from 12 submitters: Uncertain significance (1); Benign (3); Likely benign (6). 2 of the submissions do not count toward it. Last evaluated 2026-01-28.

Conditions:
Peutz-Jeghers syndrome (PJS). Also called: POLYPOSIS, HAMARTOMATOUS INTESTINAL; POLYPS-AND-SPOTS SYNDROME; Peutz-Jeghers polyposis; Periorificial lentiginosis syndrome. Identifiers: Orphanet 2869, MedGen C0031269, MeSH D010580, MONDO:0008280, OMIM 175200.
Hereditary cancer-predisposing syndrome. Also called: Hereditary neoplastic syndrome; Neoplastic Syndromes, Hereditary; Tumor predisposition; Hereditary Cancer Syndrome. Identifiers: Orphanet 140162, MedGen C0027672, MeSH D009386, MONDO:0015356.
Familial ovarian cancer. Identifiers: MedGen C5679802, MONDO:0016248.
Lip and oral cavity carcinoma. Identifiers: MedGen C0220641, MONDO:0023644.

Allele frequency attached by ClinVar (database versions not stated): gnomAD 0.00001; TOPMed 0.00001; gnomAD exomes 0.00013; 1000 Genomes Project 30x 0.00016; ExAC 0.00017; 1000 Genomes Project 0.00020.

Submissions (12):

Labcorp Genetics (formerly Invitae), Labcorp
Classification: Likely benign for Peutz-Jeghers syndrome. Last evaluated: 2026-01-28. Review status: criteria provided, single submitter. Criteria: Invitae Variant Classification Sherloc (09022015). Collection method: clinical testing. Allele origin: germline.

Center for Genomic Medicine, Rigshospitalet, Copenhagen University Hospital
Classification: Uncertain significance. Last evaluated: 2025-03-04. Review status: criteria provided, single submitter. Criteria: ACMG Guidelines, 2015. Collection method: clinical testing. Allele origin: germline.

Myriad Genetics, Inc.
Classification: Benign for Peutz-Jeghers syndrome. Last evaluated: 2025-02-10. Review status: criteria provided, single submitter. Criteria: Myriad Autosomal Dominant, Autosomal Recessive and X-Linked Classification Criteria (2023). Collection method: clinical testing. Allele origin: unknown.
Comment: This variant is considered benign. Homozygosity has been confirmed in one or more individuals. As homozygosity for pathogenic variants in this gene is generally assumed to result in embryonic lethality, this variant is unlikely to be pathogenic. This variant has been observed at a population frequency that is significantly greater than expected given the associated disease prevalence and penetrance.

All of Us Research Program, National Institutes of Health
Classification: Likely benign for Peutz-Jeghers syndrome. Last evaluated: 2023-12-13. Review status: criteria provided, single submitter. Criteria: ACMG Guidelines, 2015. Collection method: clinical testing. Allele origin: germline. Inheritance: Autosomal dominant inheritance. Observed: 3 variant alleles, 3 heterozygotes.
Comment: This study involves interpretation of variants in research participants for the purpose of population health screening. Participant phenotype was not available at the time of variant classification. Additional details can be found in publication PMID: 35346344, PMCID: PMC8962531

Women's Health and Genetics/Laboratory Corporation of America, LabCorp
Classification: Likely benign. Last evaluated: 2023-11-06. Review status: criteria provided, single submitter. Criteria: LabCorp Variant Classification Summary - May 2015. Collection method: clinical testing. Allele origin: germline.
Comment: Variant summary: STK11 c.1071G>T (p.Glu357Asp) results in a conservative amino acid change in the encoded protein sequence. Four of five in-silico tools predict a benign effect of the variant on protein function. The variant allele was found at a frequency of 0.00013 in 245186 control chromosomes, predominantly at a frequency of 0.001 within the South Asian subpopulation in the gnomAD database, including 1 homozygotes. The observed variant frequency within South Asian control individuals in the gnomAD database is approximately 160 fold of the estimated maximal expected allele frequency for a pathogenic variant in STK11 causing Peutz-Jeghers Syndrome phenotype (6.3e-06), strongly suggesting that the variant is a benign polymorphism found primarily in populations of South Asian origin. The following publication has been ascertained in the context of this evaluation (PMID: 34326862). Seven submitters have cited clinical-significance assessments for this variant to ClinVar after 2014 and classified the variant as benign/likely benign (n=6) and VUS (n=1). Based on the evidence outlined above, the variant was classified as likely benign.

Ambry Genetics
Classification: Benign for Hereditary cancer-predisposing syndrome. Last evaluated: 2023-01-11. Review status: criteria provided, single submitter. Criteria: Ambry Variant Classification Scheme 2023. Collection method: clinical testing. Allele origin: germline.

Color Diagnostics, LLC DBA Color Health
Classification: Likely benign for Hereditary cancer-predisposing syndrome. Last evaluated: 2021-08-03. Review status: criteria provided, single submitter. Criteria: ACMG Guidelines, 2015. Collection method: clinical testing. Allele origin: germline.

Genome-Nilou Lab
Classification: Likely benign for Peutz-Jeghers syndrome. Last evaluated: 2021-07-15. Review status: criteria provided, single submitter. Criteria: ACMG Guidelines, 2015. Collection method: clinical testing. Allele origin: germline. Affected: no.

Quest Diagnostics Nichols Institute San Juan Capistrano
Classification: Benign. Last evaluated: 2020-10-28. Review status: criteria provided, single submitter. Criteria: Quest Diagnostics criteria. Collection method: clinical testing. Allele origin: unknown.

GeneDx
Classification: Likely benign. Last evaluated: 2018-03-30. Review status: criteria provided, single submitter. Criteria: GeneDx Variant Classification (06012015). Collection method: clinical testing. Allele origin: germline. Affected: yes.
Comment: This variant is considered likely benign or benign based on one or more of the following criteria: it is a conservative change, it occurs at a poorly conserved position in the protein, it is predicted to be benign by multiple in silico algorithms, and/or has population frequency not consistent with disease.

Institute of Medical Sciences, Banaras Hindu University
Classification: Pathogenic for Lip and oral cavity carcinoma. Last evaluated: 2019-04-30. Review status: no assertion criteria provided. Collection method: research. Allele origin: somatic. Affected: yes. Not counted in ClinVar's aggregate classification.

Department of Pathology and Laboratory Medicine, Sinai Health System
Classification: Likely benign for Familial ovarian cancer. Review status: no assertion criteria provided. Collection method: clinical testing. Allele origin: unknown. Affected: yes. Observed: 1 variant allele. Study: The Canadian Open Genetics Repository (COGR). Not counted in ClinVar's aggregate classification.
Comment: The STK11 p.Glu357Asp variant was not identified in the literature nor was it identified in the Cosmic, MutDB, LOVD 3.0, Zhejiang University Database, or Insight Hereditary Tumors, databases. The variant was identified in dbSNP (ID: rs556651007) as "With Uncertain significance allele", and in ClinVar (classified as likely benign by Invitae and uncertain significance by Ambry Genetics). The variant was identified in control databases in 30 of 242974 chromosomes (1 homozygous) at a frequency of 0.0001 increasing the likelihood this could be a low frequency benign variant (Genome Aggregation Database Feb 27, 2017). The variant was observed in the South Asian population in 30 of 30492 chromosomes (freq: 0.00098), while the variant was not observed in the African, Other, Latino, European, Ashkenazi Jewish, East Asian, and Finnish, populations. The p.Glu357 residue is conserved in mammals and computational analyses (PolyPhen-2, SIFT, AlignGVGD, BLOSUM, MutationTaster) provide inconsistent predictions regarding the impact to the protein; this information is not very predictive of pathogenicity. The variant occurs outside of the splicing consensus sequence and 1 of 4 in silico or computational prediction software programs (SpliceSiteFinder, MaxEntScan, NNSPLICE, GeneSplicer) predict a greater than 10% difference in splicing; this is not very predictive of pathogenicity. In summary, based on the above information the clinical significance of this variant cannot be determined with certainty at this time although we would lean towards a more benign role for this variant. This variant is classified as likely benign.

Literature cited by the submitters: PubMed 34326862 (cited by Women's Health and Genetics/Laboratory Corporation of America, LabCorp); PubMed 31775759 (cited by Quest Diagnostics Nichols Institute San Juan Capistrano and Institute of Medical Sciences, Banaras Hindu University).